The following is an entry in ClinVar:

NM_002291.3(LAMB1):c.3813A>C (p.Leu1271Phe)

Gene: LAMB1 (laminin subunit beta 1; minus strand). Cytogenetic location: 7q31.1.
Variant type: single nucleotide variant.
Coding change: c.3813A>C on transcript NM_002291.3 (MANE Select); coding-DNA position 3813, A replaced by C.
Protein change: p.Leu1271Phe; replaces leucine 1271 with phenylalanine.
Molecular consequence: missense variant.
Genome position (GRCh38, 1-based): chr7:107,937,226, T>G on the plus strand (A>C on the coding strand, the complement: LAMB1 is on the minus strand). VCF-style: chr7-107937226-T-G. GRCh37 (hg19) VCF-style: chr7-107577671-T-G.
Other names: short protein forms L1271F.
Identifiers: ClinVar variation 1311246 (VCV001311246.2), dbSNP rs1301763039, ClinGen allele CA368856564.

ClinVar aggregate classification (germline): Uncertain significance (1 of 4 stars; one submission).

Allele frequency attached by ClinVar (database versions not stated): gnomAD exomes below 0.00001.
gnomAD v4.1: 3 of 1,614,096 alleles (0.00019%); highest among the groups gnomAD compares: Non-Finnish European, 0.00025%; no homozygotes.

Submission:

GeneDx
Classification: Uncertain significance. Last evaluated: 2019-12-11. Review status: criteria provided, single submitter. Criteria: GeneDx Variant Classification Process June 2021. Collection method: clinical testing. Allele origin: germline. Affected: yes.
Comment: In silico analysis, which includes protein predictors and evolutionary conservation, supports a deleterious effect; Has not been previously published as pathogenic or benign to our knowledge